The following is an entry in ClinVar:

NM_006767.4(LZTR1):c.1972T>C (p.Tyr658His)

Gene: LZTR1 (leucine zipper like post translational regulator 1; plus strand). Cytogenetic location: 22q11.21.
Variant type: single nucleotide variant.
Coding change: c.1972T>C on transcript NM_006767.4 (MANE Select); coding-DNA position 1972, T replaced by C.
Protein change: p.Tyr658His; replaces tyrosine 658 with histidine.
Molecular consequence: missense variant.
Genome position (GRCh38, 1-based): chr22:20,995,775, T>C. VCF-style: chr22-20995775-T-C. GRCh37 (hg19) VCF-style: chr22-21350064-T-C.
Other names: short protein forms Y658H.
Identifiers: ClinVar variation 3238182 (VCV003238182.1), dbSNP rs1485171907.
Genomic context (GRCh38, chr22:20,995,775, plus strand): 5'-TGTACCTGCTCAGGGACCCTCCTACCCCCAGGCACATCTCTGATCCAGGACATGAAGGCA[T>C]ACCTGGAGGGAGCGGGCGCGGAATTCTGTGACATCACTCTGTTGCTTGACGGGCACCCAC-3'
Protein context (NP_006758.2, residues 648-668): GTSLIQDMKA[Tyr658His]LEGAGAEFCD

ClinVar aggregate classification (germline): Uncertain significance (1 of 4 stars; one submission).

Conditions:
Hereditary cancer-predisposing syndrome. Also called: Neoplastic Syndromes, Hereditary; Tumor predisposition; Hereditary neoplastic syndrome; Hereditary Cancer Syndrome. Identifiers: Orphanet 140162, MedGen C0027672, MeSH D009386, MONDO:0015356.
Cardiovascular phenotype. Identifiers: MedGen CN230736.

Submission:

Ambry Genetics
Classification: Uncertain significance for Cardiovascular phenotype; Hereditary cancer-predisposing syndrome. Last evaluated: 2023-07-01. Review status: criteria provided, single submitter. Criteria: Ambry Variant Classification Scheme 2023. Collection method: clinical testing. Allele origin: germline.
Comment: The p.Y658H variant (also known as c.1972T>C), located in coding exon 17 of the LZTR1 gene, results from a T to C substitution at nucleotide position 1972. The tyrosine at codon 658 is replaced by histidine, an amino acid with similar properties. This amino acid position is conserved. In addition, the in silico prediction for this alteration is inconclusive. Since supporting evidence is limited at this time, the clinical significance of this alteration remains unclear.